The following is an entry in ClinVar:

NM_001792.5(CDH2):c.1251C>T (p.Asn417=)

Gene: CDH2 (cadherin 2; minus strand). Cytogenetic location: 18q12.1.
Variant type: single nucleotide variant.
Coding change: c.1251C>T on transcript NM_001792.5 (MANE Select); coding-DNA position 1251, C replaced by T.
Protein change: p.Asn417=; no amino-acid change (asparagine 417 retained).
Molecular consequence: synonymous variant.
Genome position (GRCh38, 1-based): chr18:27,992,748, G>A on the plus strand (C>T on the coding strand, the complement: CDH2 is on the minus strand). VCF-style: chr18-27992748-G-A. GRCh37 (hg19) VCF-style: chr18-25572712-G-A.
Other names: p.Asn417=; c.1158C>T, p.Asn386= (NM_001308176.2).
Identifiers: ClinVar variation 757117 (VCV000757117.11), dbSNP rs138990743, ClinGen allele CA8923473.
Genomic context (GRCh38, chr18:27,992,748, plus strand): 5'-TGGGTCGGTCTGGATGGCGAACCGTCCAGTAGGATCTCCGCCACTGATTCTGTACACTGC[G>A]TTCCAGGCTGGTGTATGGGGTTGATCCTTATCGGTCACAGTTAGATTAGCTACTATGATG-3'
Protein context (NP_001783.2, residues 407-427): DKDQPHTPAW[Asn417=]AVYRISGGDP

ClinVar aggregate classification (germline): Likely benign. Review status: criteria provided, multiple submitters, no conflicts (2 of 4 stars). 3 submissions from 3 submitters: Likely benign (3). Last evaluated 2025-12-21.

Conditions:
Inborn genetic diseases. Identifiers: MedGen C0950123, MeSH D030342.

Allele frequency attached by ClinVar (database versions not stated): ExAC 0.00008; gnomAD exomes 0.00009; gnomAD 0.00011 and 0.00013; TOPMed 0.00015; ESP Exome Variant Server 0.00023.
gnomAD v4.1: 112 of 1,613,902 alleles (0.0069%); highest among the groups gnomAD compares: Middle Eastern, 0.066%; no homozygotes.

Submissions (3):

Labcorp Genetics (formerly Invitae), Labcorp
Classification: Likely benign. Last evaluated: 2025-12-21. Review status: criteria provided, single submitter. Criteria: Invitae Variant Classification Sherloc (09022015). Collection method: clinical testing. Allele origin: germline.

Mayo Clinic Laboratories, Mayo Clinic
Classification: Likely benign. Last evaluated: 2025-10-22. Review status: criteria provided, single submitter. Criteria: ACMG Guidelines, 2015. Collection method: clinical testing. Allele origin: germline. Observed: 1 variant allele.
Comment: BS1, BP4, BP7

Ambry Genetics
Classification: Likely benign for Inborn genetic diseases. Last evaluated: 2019-06-04. Review status: criteria provided, single submitter. Criteria: Ambry Variant Classification Scheme 2023. Collection method: clinical testing. Allele origin: germline.